The following is an entry in ClinVar:

NM_006886.4(ATP5F1E):c.40C>T (p.Arg14Ter)

Genes: ATP5F1E (ATP synthase F1 subunit epsilon; minus strand), SLMO2-ATP5E (SLMO2-ATP5E readthrough; minus strand). Cytogenetic location: 20q13.32.
Variant type: single nucleotide variant.
Coding change: c.40C>T on transcript NM_006886.4 (MANE Select); coding-DNA position 40, C replaced by T.
Protein change: p.Arg14Ter; replaces arginine 14 with a stop codon.
Molecular consequence: nonsense. On other transcripts: non-coding transcript variant (2).
Genome position (GRCh38, 1-based): chr20:59,030,422, G>A on the plus strand (C>T on the coding strand, the complement: ATP5F1E is on the minus strand). VCF-style: chr20-59030422-G-A. GRCh37 (hg19) VCF-style: chr20-57605477-G-A.
Other names: c.40C>T, p.Arg14Ter (NM_001001977.1); short protein forms R14*.
Identifiers: ClinVar variation 2871616 (VCV002871616.3), dbSNP rs376521812, ClinGen allele CA9928748.

ClinVar aggregate classification (germline): Uncertain significance (1 of 4 stars; one submission).

Allele frequency attached by ClinVar (database versions not stated): gnomAD exomes below 0.00001; ExAC 0.00001; gnomAD 0.00002; TOPMed 0.00002; ESP Exome Variant Server 0.00008.
gnomAD v4.1: 5 of 1,613,468 alleles (0.00031%); highest among the groups gnomAD compares: African/African-American, 0.004%; no homozygotes.

Submission:

Labcorp Genetics (formerly Invitae), Labcorp
Classification: Uncertain significance. Last evaluated: 2023-06-03. Review status: criteria provided, single submitter. Criteria: Invitae Variant Classification Sherloc (09022015). Collection method: clinical testing. Allele origin: germline.
Comment: In summary, the available evidence is currently insufficient to determine the role of this variant in disease. Therefore, it has been classified as a Variant of Uncertain Significance. This variant has not been reported in the literature in individuals affected with ATP5E-related conditions. This variant is not present in population databases (gnomAD no frequency). This sequence change creates a premature translational stop signal (p.Arg14*) in the ATP5E gene. It is expected to result in an absent or disrupted protein product. However, the current clinical and genetic evidence is not sufficient to establish whether loss-of-function variants in ATP5E cause disease.